The following is an entry in ClinVar:

ClinVar aggregate classification (germline): Benign/Likely benign. Review status: criteria provided, multiple submitters, no conflicts (2 of 4 stars). 5 submissions from 5 submitters: Benign (1); Likely benign (4). Last evaluated 2025-09-12.

Conditions:
Hereditary cancer-predisposing syndrome. Also called: Hereditary neoplastic syndrome; Hereditary Cancer Syndrome; Neoplastic Syndromes, Hereditary; Tumor predisposition. Identifiers: Orphanet 140162, MedGen C0027672, MeSH D009386, MONDO:0015356.
Familial cancer of breast. Also called: BREAST CANCER, FAMILIAL; hereditary breast carcinoma; Hereditary breast cancer. Identifiers: Orphanet 227535, MedGen C0346153, MONDO:0016419, OMIM 114480. Disease mechanism: loss of function.

Allele frequency attached by ClinVar (database versions not stated): gnomAD exomes below 0.00001; ExAC 0.00001; TOPMed 0.00001.
gnomAD v4.1: 5 of 1,614,130 alleles (0.00031%); highest among the groups gnomAD compares: South Asian, 0.0022%; no homozygotes.

Submissions (5):

Labcorp Genetics (formerly Invitae), Labcorp
Classification: Likely benign for Familial cancer of breast. Last evaluated: 2025-09-12. Review status: criteria provided, single submitter. Criteria: Invitae Variant Classification Sherloc (09022015). Collection method: clinical testing. Allele origin: germline.

Myriad Genetics, Inc.
Classification: Benign for Familial cancer of breast. Last evaluated: 2025-01-22. Review status: criteria provided, single submitter. Criteria: Myriad Autosomal Dominant, Autosomal Recessive and X-Linked Classification Criteria (2023). Collection method: clinical testing. Allele origin: unknown.
Comment: This variant is considered benign. This variant is a silent/synonymous amino acid change and it is not expected to impact splicing.

Sema4
Classification: Likely benign for Hereditary cancer-predisposing syndrome. Last evaluated: 2021-09-10. Review status: criteria provided, single submitter. Criteria: Sema4 Curation Guidelines. Collection method: curation. Allele origin: germline.

Ambry Genetics
Classification: Likely benign for Hereditary cancer-predisposing syndrome. Last evaluated: 2017-03-15. Review status: criteria provided, single submitter. Criteria: Ambry Variant Classification Scheme 2023. Collection method: clinical testing. Allele origin: germline.

GeneDx
Classification: Likely benign. Last evaluated: 2016-06-13. Review status: criteria provided, single submitter. Criteria: GeneDx Variant Classification (06012015). Collection method: clinical testing. Allele origin: germline. Affected: yes.
Comment: This variant is considered likely benign or benign based on one or more of the following criteria: it is a conservative change, it occurs at a poorly conserved position in the protein, it is predicted to be benign by multiple in silico algorithms, and/or has population frequency not consistent with disease.

NM_024675.4(PALB2):c.3474T>C (p.His1158=)

Gene: PALB2 (partner and localizer of BRCA2; minus strand). Cytogenetic location: 16p12.2.
Variant type: single nucleotide variant.
Coding change: c.3474T>C on transcript NM_024675.4 (MANE Select); coding-DNA position 3474, T replaced by C.
Protein change: p.His1158=; no amino-acid change (histidine 1158 retained).
Molecular consequence: synonymous variant.
Genome position (GRCh38, 1-based): chr16:23,603,546, A>G on the plus strand (T>C on the coding strand, the complement: PALB2 is on the minus strand). VCF-style: chr16-23603546-A-G. GRCh37 (hg19) VCF-style: chr16-23614867-A-G.
Identifiers: ClinVar variation 378321 (VCV000378321.18), dbSNP rs730881896, ClinGen allele CA7963331.